The following is an entry in ClinVar:

NM_000159.4(GCDH):c.392A>T (p.Glu131Val)

Gene: GCDH (glutaryl-CoA dehydrogenase; plus strand). Cytogenetic location: 19p13.13.
Variant type: single nucleotide variant.
Coding change: c.392A>T on transcript NM_000159.4 (MANE Select); coding-DNA position 392, A replaced by T.
Protein change: p.Glu131Val; replaces glutamic acid 131 with valine.
Molecular consequence: missense variant. On other transcripts: non-coding transcript variant (2).
Genome position (GRCh38, 1-based): chr19:12,893,540, A>T. VCF-style: chr19-12893540-A-T. GRCh37 (hg19) VCF-style: chr19-13004354-A-T.
Other names: c.392A>T, p.Glu131Val (NM_013976.5); short protein forms E131V.
Identifiers: ClinVar variation 4854944 (VCV004854944.1).

ClinVar aggregate classification (germline): Uncertain significance (1 of 4 stars; one submission).

Conditions:
Glutaric aciduria, type 1. Also called: Glutaryl-CoA dehydrogenase deficiency; Glutaricacidemia Type 1; GA I; Glutaric acidemia type I; Glutaricaciduria, type I; Glutaric Acidemia Type 1. Identifiers: Orphanet 25, MedGen C0268595, MONDO:0009281, OMIM 231670.

Submission:

3billion
Classification: Uncertain significance for Glutaric aciduria, type 1. Last evaluated: 2025-07-21. Review status: criteria provided, single submitter. Criteria: ACMG Guidelines, 2015. Collection method: clinical testing. Allele origin: germline. Affected: yes.
Comment: The variant is not observed in the gnomAD v4.1.0 dataset. Predicted Consequence/Location: Missense variant In silico tool predictions suggest damaging effect of the variant on gene or gene product [REVEL: 0.96 (>=0.6, sensitivity 0.68 and specificity 0.92); 3Cnet: 0.99 (> 0.75, sensitivity 0.96 and precision 0.92)]. The same nucleotide change resulting in the same amino acid change has been previously reported to be associated with GCDH-related disorder (PMID: 27672653). Therefore, this variant is classified as VUS according to the recommendation of ACMG/AMP guideline.

Literature cited by the submitters: PubMed 27672653.